The following is an entry in ClinVar:

NM_004177.5(STX3):c.373C>T (p.Arg125Trp)

Gene: STX3 (syntaxin 3; plus strand). Cytogenetic location: 11q12.1.
Variant type: single nucleotide variant.
Coding change: c.373C>T on transcript NM_004177.5 (MANE Select); coding-DNA position 373, C replaced by T.
Protein change: p.Arg125Trp; replaces arginine 125 with tryptophan.
Molecular consequence: missense variant.
Genome position (GRCh38, 1-based): chr11:59,792,122, C>T. VCF-style: chr11-59792122-C-T. GRCh37 (hg19) VCF-style: chr11-59559595-C-T.
Other names: c.373C>T, p.Arg125Trp (NM_001178040.3); short protein forms R125W.
Identifiers: ClinVar variation 1390887 (VCV001390887.4), dbSNP rs199896680, ClinGen allele CA6020865.
Genomic context (GRCh38, chr11:59,792,122, plus strand): 5'-TTACAGAACCACTGGGGCCTGACTGCATTTTACATCATCCCACAGCACTCTGTCCTTTCT[C>T]GGAAGTTTGTGGAGGTGATGACCAAATACAATGAAGCTCAAGTGGACTTCCGAGAACGCA-3'
Protein context (NP_004168.1, residues 115-135): IRKSQHSVLS[Arg125Trp]KFVEVMTKYN

ClinVar aggregate classification (germline): Uncertain significance. Review status: criteria provided, multiple submitters, no conflicts (2 of 4 stars). 2 submissions from 2 submitters: Uncertain significance (2). Last evaluated 2024-11-15.

Conditions:
Inborn genetic diseases. Identifiers: MedGen C0950123, MeSH D030342.

Allele frequency attached by ClinVar (database versions not stated): gnomAD exomes 0.00003 and 0.00006; gnomAD 0.00004 and 0.00005; TOPMed 0.00006; ExAC 0.00009; 1000 Genomes Project 30x 0.00016; 1000 Genomes Project 0.00020.
gnomAD v4.1: 56 of 1,613,878 alleles (0.0035%); highest among the groups gnomAD compares: East Asian, 0.029%; no homozygotes.

Submissions (2):

Ambry Genetics
Classification: Uncertain significance for Inborn genetic diseases. Last evaluated: 2024-11-15. Review status: criteria provided, single submitter. Criteria: Ambry Variant Classification Scheme 2023. Collection method: clinical testing. Allele origin: germline.

Labcorp Genetics (formerly Invitae), Labcorp
Classification: Uncertain significance. Last evaluated: 2022-07-20. Review status: criteria provided, single submitter. Criteria: Invitae Variant Classification Sherloc (09022015). Collection method: clinical testing. Allele origin: germline.
Comment: This sequence change replaces arginine, which is basic and polar, with tryptophan, which is neutral and slightly polar, at codon 125 of the STX3 protein (p.Arg125Trp). This variant is present in population databases (rs199896680, gnomAD 0.05%). This variant has not been reported in the literature in individuals affected with STX3-related conditions. ClinVar contains an entry for this variant (Variation ID: 1390887). Algorithms developed to predict the effect of missense changes on protein structure and function are either unavailable or do not agree on the potential impact of this missense change (SIFT: "Deleterious"; PolyPhen-2: "Probably Damaging"; Align-GVGD: "Class C0"). In summary, the available evidence is currently insufficient to determine the role of this variant in disease. Therefore, it has been classified as a Variant of Uncertain Significance.